The following continues an entry in ClinVar:

NM_000478.6(ALPL):c.529G>A (p.Ala177Thr)

Gene: ALPL. ClinVar aggregate classification (germline): Conflicting classifications of pathogenicity. Pathogenic (5); Likely pathogenic (3); Uncertain significance (6).

Submissions 12 to 16 of 16:

Ambry Genetics
Classification: Uncertain significance for Inborn genetic diseases. Last evaluated: 2020-10-30. Review status: criteria provided, single submitter. Criteria: Ambry Variant Classification Scheme 2023. Collection method: clinical testing. Allele origin: germline.
Comment: The c.529G>A (p.A177T) alteration is located in exon 6 (coding exon 5) of the ALPL gene. This alteration results from a G to A substitution at nucleotide position 529, causing the alanine (A) at amino acid position 177 to be replaced by a threonine (T). Based on data from the Genome Aggregation Database (gnomAD) database, the ALPL c.529G>A alteration was observed in 0.01% (35/282450) of total alleles studied, with a frequency of 0.15% (30/19950) in the East Asian subpopulation. It was also detected in three German children with hypophosphatasia (reported as p.A160T), each with a second ALPL variant confirmed in trans (Orimo, 2001). This amino acid position is not well conserved and threonine is a reference amino acid in several species. Functional studies in COS1 cells demonstrated a reduction in alkaline phosphatase activity to ~80% of wild type (Orimo, 2001; Orimo, 2008; Del Angel, 2020). The in silico prediction for the p.A177T alteration is inconclusive. Based on insufficient or conflicting evidence, the clinical significance of this alteration remains unclear.

Illumina Laboratory Services, Illumina
Classification: Pathogenic for Hypophosphatasia. Last evaluated: 2018-12-07. Review status: criteria provided, single submitter. Criteria: ICSL Variant Classification Criteria 09 May 2019. Collection method: clinical testing. Allele origin: germline.
Comment: The ALPL c.529G>A (p.Ala177Thr) missense variant, also known as p.Ala160Thr, has been reported in at least five studies in which it was found in a homozygous state in one individual with hypophosphatasia and in a compound heterozygous state in six individuals, including one individual with a milder adult-onset form of the disease and five individuals with the more severe infantile- or childhood-onset form of the disease (Goseki-Sone et al. 1998; Orimo et al. 2001; Beck et al. 2009; Collmann et al. 2009; Nair et al. 2018). The parents of three of the individuals with the childhood-onset form were shown to carry the p.Ala177Thr variant in a heterozygous state; these individuals were described as healthy but exhibited reduced serum alkaline phosphatase activity (Orimo et al. 2001). The p.Ala177Thr variant was absent from 111 controls (Goseki-Sone et al. 1998) and is reported at a frequency of 0.00174 in the East Asian population of the Exome Aggregation Consortium. In vitro functional studies conducted in several different cell lines suggest that the p.Ala177Thr variant does not affect protein expression relative to wild type but does have a moderate effect on protein function (Orimo et al. 2001; Di Mauro et al. 2002; Orimo et al. 2008). Based on the collective evidence, the p.Ala177Thr variant is classified as pathogenic for hypophosphatasia. This variant was observed by ICSL as part of a predisposition screen in an ostensibly healthy population.

Juno Genomics, Hangzhou Juno Genomics, Inc
Classification: Uncertain significance for Adult hypophosphatasia; Childhood hypophosphatasia; Infantile hypophosphatasia. Review status: criteria provided, single submitter. Criteria: ACMG Guidelines, 2015. Collection method: clinical testing. Allele origin: germline.
Comment: Allele frequency is above 5% in population databases.;For recessive disorders, detected in trans with a pathogenic variant.;Patient's phenotype or family history is highly specific for a disease with a single genetic etiology.;Well-established in vitro or in vivo functional studies supportive of a damaging effect on the gene or gene product.

Counsyl
Classification: Uncertain significance for Infantile hypophosphatasia. Last evaluated: 2018-03-08. Review status: no assertion criteria provided. Collection method: clinical testing. Allele origin: unknown. Not counted in ClinVar's aggregate classification.

Department of Pediatrics, Samsung Medical Center, Samsung Medical Center
Classification: Uncertain significance for Microcephaly. Review status: no assertion criteria provided. Criteria: ACMG Guidelines, 2015. Collection method: research. Allele origin: germline. Affected: yes. Not counted in ClinVar's aggregate classification.

Literature cited by the submitters: PubMed 31857675 (cited by 3 submitters); PubMed 11760847 (cited by 9 submitters); PubMed 9452105 (cited by 9 submitters); PubMed 37107680 (cited by 3 submitters); PubMed 41018175 (cited by Natera, Inc. and JKU Lab, Dept of Paediatrics, Johannes Kepler University); PubMed 39926094 (cited by Natera, Inc.); PubMed 35197081 (cited by 3 submitters); PubMed 12162492 (cited by 6 submitters); PubMed 18455459 (cited by 6 submitters); PubMed 20383509 (cited by JKU Lab, Dept of Paediatrics, Johannes Kepler University and Women's Health and Genetics/Laboratory Corporation of America, LabCorp); PubMed 10495141 (cited by JKU Lab, Dept of Paediatrics, Johannes Kepler University); PubMed 18769927 (cited by 3 submitters); PubMed 31754721 (cited by JKU Lab, Dept of Paediatrics, Johannes Kepler University and Women's Health and Genetics/Laboratory Corporation of America, LabCorp); PubMed 38884565 (cited by Genomenon, Inc); PubMed 25023282 (cited by Women's Health and Genetics/Laboratory Corporation of America, LabCorp and Counsyl); PubMed 32160374 (cited by Women's Health and Genetics/Laboratory Corporation of America, LabCorp and Ambry Genetics); PubMed 33452237 (cited by Women's Health and Genetics/Laboratory Corporation of America, LabCorp); PubMed 18821074 (cited by Illumina Laboratory Services, Illumina); PubMed 30293248 (cited by Illumina Laboratory Services, Illumina).